The following is an entry in ClinVar:

ClinVar aggregate classification (germline): Uncertain significance. Review status: criteria provided, multiple submitters, no conflicts (2 of 4 stars). 2 submissions from 2 submitters: Uncertain significance (2). Last evaluated 2023-08-01.

Conditions:
Inborn genetic diseases. Identifiers: MedGen C0950123, MeSH D030342.

Allele frequency attached by ClinVar (database versions not stated): TOPMed below 0.00001; ExAC 0.00001; gnomAD 0.00001.
gnomAD v4.1: 20 of 1,613,986 alleles (0.0012%); highest among the groups gnomAD compares: Middle Eastern, 0.016%; no homozygotes.

Submissions (2):

CeGaT Center for Human Genetics Tuebingen
Classification: Uncertain significance. Last evaluated: 2023-08-01. Review status: criteria provided, single submitter. Criteria: CeGaT Center For Human Genetics Tuebingen Variant Classification Criteria Version 2. Collection method: clinical testing. Allele origin: germline. Affected: yes. Observed: 1 variant allele.
Comment: FLG: PM2, BP1, BP4

Ambry Genetics
Classification: Uncertain significance for Inborn genetic diseases. Last evaluated: 2021-08-09. Review status: criteria provided, single submitter. Criteria: Ambry Variant Classification Scheme 2023. Collection method: clinical testing. Allele origin: germline.

NM_002016.2(FLG):c.3095G>C (p.Arg1032Thr)

Genes: CCDST (cervical cancer associated DHX9 suppressive transcript; plus strand), FLG (filaggrin; minus strand). Cytogenetic location: 1q21.3.
Variant type: single nucleotide variant.
Coding change: c.3095G>C on transcript NM_002016.2 (MANE Select); coding-DNA position 3095, G replaced by C.
Protein change: p.Arg1032Thr; replaces arginine 1032 with threonine.
Molecular consequence: missense variant.
Genome position (GRCh38, 1-based): chr1:152,311,791, C>G on the plus strand (G>C on the coding strand, the complement: FLG is on the minus strand). VCF-style: chr1-152311791-C-G. GRCh37 (hg19) VCF-style: chr1-152284267-C-G.
Other names: short protein forms R1032T.
Identifiers: ClinVar variation 2241483 (VCV002241483.26), dbSNP rs778125125, ClinGen allele CA1106836.